The following is an entry in ClinVar:

NM_017780.4(CHD7):c.8958_8962dup (p.Asp2988fs)

Gene: CHD7 (chromodomain helicase DNA binding protein 7; plus strand). Cytogenetic location: 8q12.2.
Variant type: Duplication.
Coding change: c.8958_8962dup on transcript NM_017780.4 (MANE Select); coding-DNA positions 8958 to 8962, 5 bases duplicated (GGGGG; older notation c.8958_8962dupGGGGG).
Protein change: p.Asp2988fs; shifts the reading frame from aspartic acid 2988.
Molecular consequence: frameshift variant.
Genome position (GRCh38, 1-based): chr8:60,865,897-60,865,901, GGGGG duplicated; duplicating any 5 consecutive bases within chr8:60,865,895-60,865,901 gives the same sequence; the c. name uses the placement nearest the transcript's 3' end. VCF-style (leftmost placement, unchanged base first): chr8-60865894-T-TGGGGG. GRCh37 (hg19) VCF-style: chr8-61778453-T-TGGGGG.
Other names: c.2811_2815dup, p.Asp939fs (NM_001316690.1); short protein forms D2988fs, D939fs.
Identifiers: ClinVar variation 3370592 (VCV003370592.1).
Genomic context (GRCh38, chr8:60,865,894, plus strand): 5'-TGCAGAGTCCTCCCTCTTAGAAGACGAAATAGCACAGGGTGAAGAGCTAGACTCACTTGA[T>TGGGGG]GGGGGGGATGAAATAGAAAACAATGAAAATGATGAATAACCAGTACCAGTTCCAGTTCAA-3'

ClinVar aggregate classification (germline): Uncertain significance (1 of 4 stars; one submission).

Submission:

GeneDx
Classification: Uncertain significance. Last evaluated: 2024-03-13. Review status: criteria provided, single submitter. Criteria: GeneDx Variant Classification Process June 2021. Collection method: clinical testing. Allele origin: germline. Affected: yes.
Comment: Not observed at significant frequency in large population cohorts (gnomAD); Frameshift variant predicted to result in abnormal protein length as the last 10 amino acids are replaced with 4 different amino acids; Has not been previously published as pathogenic or benign to our knowledge